The following is an entry in ClinVar:

ClinVar aggregate classification (germline): Uncertain significance (1 of 4 stars; one submission).

Conditions:
Hereditary fructosuria. Also called: ALDOB DEFICIENCY; ALDOLASE B DEFICIENCY; FRUCTOSE-1,6-BISPHOSPHATE ALDOLASE B DEFICIENCY; FRUCTOSE-1-PHOSPHATE ALDOLASE DEFICIENCY; FRUCTOSEMIA; Hereditary fructose intolerance. Identifiers: Orphanet 469, MedGen C0016751, MONDO:0009249, OMIM 229600, HP:0005973. Disease mechanism: loss of function.

Submission:

Labcorp Genetics (formerly Invitae), Labcorp
Classification: Uncertain significance for Hereditary fructosuria. Last evaluated: 2022-02-20. Review status: criteria provided, single submitter. Criteria: Invitae Variant Classification Sherloc (09022015). Collection method: clinical testing. Allele origin: germline.
Comment: This sequence change replaces valine, which is neutral and non-polar, with alanine, which is neutral and non-polar, at codon 265 of the ALDOB protein (p.Val265Ala). This variant is not present in population databases (gnomAD no frequency). This variant has not been reported in the literature in individuals affected with ALDOB-related conditions. Algorithms developed to predict the effect of missense changes on protein structure and function are either unavailable or do not agree on the potential impact of this missense change (SIFT: "Deleterious"; PolyPhen-2: "Probably Damaging"; Align-GVGD: "Class C0"). In summary, the available evidence is currently insufficient to determine the role of this variant in disease. Therefore, it has been classified as a Variant of Uncertain Significance.

NM_000035.4(ALDOB):c.794T>C (p.Val265Ala)

Gene: ALDOB (aldolase, fructose-bisphosphate B; minus strand). Cytogenetic location: 9q31.1.
Variant type: single nucleotide variant.
Coding change: c.794T>C on transcript NM_000035.4 (MANE Select); coding-DNA position 794, T replaced by C.
Protein change: p.Val265Ala; replaces valine 265 with alanine.
Molecular consequence: missense variant.
Genome position (GRCh38, 1-based): chr9:101,425,458, A>G on the plus strand (T>C on the coding strand, the complement: ALDOB is on the minus strand). VCF-style: chr9-101425458-A-G. GRCh37 (hg19) VCF-style: chr9-104187740-A-G.
Other names: short protein forms V265A.
Identifiers: ClinVar variation 1920883 (VCV001920883.2), dbSNP rs2490120082, ClinGen allele CA374264620.